The following is an entry in ClinVar:

ClinVar aggregate classification (germline): Uncertain significance (1 of 4 stars; one submission).

Conditions:
Bethlem myopathy 1A. Also called: Bethlem Muscular Dystrophy; MYOPATHY, BENIGN CONGENITAL, WITH CONTRACTURES; Bethlem myopathy 1. Identifiers: Orphanet 610, MedGen CN029274, MONDO:0024530, OMIM 158810.

Allele frequency attached by ClinVar (database versions not stated): gnomAD exomes below 0.00001; TOPMed 0.00001.
gnomAD v4.1: 2 of 1,612,864 alleles (0.00012%); highest among the groups gnomAD compares: East Asian, 0.0022%; no homozygotes.

Submission:

Labcorp Genetics (formerly Invitae), Labcorp
Classification: Uncertain significance for Bethlem myopathy 1A. Last evaluated: 2022-12-02. Review status: criteria provided, single submitter. Criteria: Invitae Variant Classification Sherloc (09022015). Collection method: clinical testing. Allele origin: germline.
Comment: This sequence change replaces alanine, which is neutral and non-polar, with valine, which is neutral and non-polar, at codon 360 of the COL6A2 protein (p.Ala360Val). In summary, the available evidence is currently insufficient to determine the role of this variant in disease. Therefore, it has been classified as a Variant of Uncertain Significance. Advanced modeling of protein sequence and biophysical properties (such as structural, functional, and spatial information, amino acid conservation, physicochemical variation, residue mobility, and thermodynamic stability) performed at Invitae indicates that this missense variant is not expected to disrupt COL6A2 protein function. ClinVar contains an entry for this variant (Variation ID: 1045034). This variant has not been reported in the literature in individuals affected with COL6A2-related conditions. This variant is not present in population databases (gnomAD no frequency).

NM_001849.4(COL6A2):c.1079C>T (p.Ala360Val)

Gene: COL6A2 (collagen type VI alpha 2 chain; plus strand). Cytogenetic location: 21q22.3.
Variant type: single nucleotide variant.
Coding change: c.1079C>T on transcript NM_001849.4 (MANE Select); coding-DNA position 1079, C replaced by T.
Protein change: p.Ala360Val; replaces alanine 360 with valine.
Molecular consequence: missense variant.
Genome position (GRCh38, 1-based): chr21:46,117,899, C>T. VCF-style: chr21-46117899-C-T. GRCh37 (hg19) VCF-style: chr21-47537813-C-T.
Other names: c.1079C>T, p.Ala360Val (NM_058174.3, NM_058175.3); short protein forms A360V.
Identifiers: ClinVar variation 1045034 (VCV001045034.9), dbSNP rs2078500027, ClinGen allele CA410527553.